The following is an entry in ClinVar:

NM_001372044.2(SHANK3):c.4656C>T (p.Pro1552=)

Gene: SHANK3 (SH3 and multiple ankyrin repeat domains 3; plus strand). Cytogenetic location: 22q13.33.
Variant type: single nucleotide variant.
Coding change: c.4656C>T on transcript NM_001372044.2 (MANE Select); coding-DNA position 4656, C replaced by T.
Protein change: p.Pro1552=; no amino-acid change (proline 1552 retained).
Molecular consequence: synonymous variant.
Genome position (GRCh38, 1-based): chr22:50,722,264, C>T. VCF-style: chr22-50722264-C-T. GRCh37 (hg19) VCF-style: chr22-51160692-C-T.
Other names: c.4431C>T, p.Pro1477= (NM_033517.1).
Identifiers: ClinVar variation 1740560 (VCV001740560.17), dbSNP rs750023626, ClinGen allele CA10326281.
Genomic context (GRCh38, chr22:50,722,264, plus strand): 5'-CGCCGGGCCTGCCCGCCCTCGCTACCTCTTCCAGAGAAGGTCCAAGCTATGGGGGGACCC[C>T]GTGGAGAGCCGGGGGCTCCCTGGGCCTGAAGACGACAAACCAACTGTGATCAGTGAGCTC-3'
Protein context (NP_001358973.1, residues 1542-1562): FQRRSKLWGD[Pro1552=]VESRGLPGPE

ClinVar aggregate classification (germline): Likely benign. Review status: criteria provided, multiple submitters, no conflicts (2 of 4 stars). 3 submissions from 3 submitters: Likely benign (3). Last evaluated 2025-01-01.

Conditions:
Inborn genetic diseases. Identifiers: MedGen C0950123, MeSH D030342.

Allele frequency attached by ClinVar (database versions not stated): TOPMed 0.00008; gnomAD exomes 0.00010; ExAC 0.00011.

Submissions (3):

CeGaT Center for Human Genetics Tuebingen
Classification: Likely benign. Last evaluated: 2025-01-01. Review status: criteria provided, single submitter. Criteria: CeGaT Center For Human Genetics Tuebingen Variant Classification Criteria Version 2. Collection method: clinical testing. Allele origin: germline. Affected: yes. Observed: 2 variant alleles.
Comment: SHANK3: BP4, BP7

Blueprint Genetics
Classification: Likely benign. Last evaluated: 2024-10-08. Review status: criteria provided, single submitter. Criteria: ACMG Guidelines, 2015. Collection method: clinical testing. Allele origin: germline.

Ambry Genetics
Classification: Likely benign for Inborn genetic diseases. Last evaluated: 2017-12-15. Review status: criteria provided, single submitter. Criteria: Ambry Variant Classification Scheme 2023. Collection method: clinical testing. Allele origin: germline.